The following is an entry in ClinVar:

NM_000218.3(KCNQ1):c.949G>A (p.Asp317Asn)

Gene: KCNQ1 (potassium voltage-gated channel subfamily Q member 1; plus strand). Cytogenetic location: 11p15.5.
Variant type: single nucleotide variant.
Coding change: c.949G>A on transcript NM_000218.3 (MANE Select); coding-DNA position 949, G replaced by A.
Protein change: p.Asp317Asn; replaces aspartic acid 317 with asparagine.
Molecular consequence: missense variant.
Genome position (GRCh38, 1-based): chr11:2,583,462, G>A. VCF-style: chr11-2583462-G-A. GRCh37 (hg19) VCF-style: chr11-2604692-G-A.
Other names: p.D317N:GAC>AAC; c.949G>A (LRG_287t1); c.949G>A, p.Asp317Asn (NM_001406836.1); c.679G>A, p.Asp227Asn (NM_001406837.1); c.505G>A, p.Asp169Asn (NM_001406838.1); c.568G>A, p.Asp190Asn (NM_181798.2); short protein forms D317N, D190N, D169N, D227N.
Identifiers: ClinVar variation 53145 (VCV000053145.11), dbSNP rs199472751, ClinGen allele CA008869.

ClinVar aggregate classification (germline): Pathogenic. Review status: criteria provided, multiple submitters, no conflicts (2 of 4 stars). 5 submissions from 5 submitters: Pathogenic (4). 1 of the submissions does not count toward it. Last evaluated 2023-12-07.

Conditions:
Cardiovascular phenotype. Identifiers: MedGen CN230736.
KCNQ1-related disorder. Also called: KCNQ1-related condition; KCNQ1-related disorders. Identifiers: MedGen CN239322.
Familial long QT syndrome (RWS). Also called: Congenital long QT syndrome; Romano-Ward syndrome; VENTRICULAR FIBRILLATION WITH PROLONGED QT INTERVAL. Identifiers: Orphanet 768, MedGen C1141890, MONDO:0019171.
Long QT syndrome (LQTS). Identifiers: MedGen C0023976, MeSH D008133, MONDO:0002442. Disease mechanism: loss of function. Inheritance: Various modes of inheritance.

Submissions (5):

Labcorp Genetics (formerly Invitae), Labcorp
Classification: Pathogenic for Long QT syndrome. Last evaluated: 2023-12-07. Review status: criteria provided, single submitter. Criteria: Invitae Variant Classification Sherloc (09022015). Collection method: clinical testing. Allele origin: germline.
Comment: This sequence change replaces aspartic acid, which is acidic and polar, with asparagine, which is neutral and polar, at codon 317 of the KCNQ1 protein (p.Asp317Asn). This variant is not present in population databases (gnomAD no frequency). This missense change has been observed in individuals with long QT syndrome (PMID: 9302275, 9482580, 10973849, 11410559, 12702160, 23631430, 26063740). It has also been observed to segregate with disease in related individuals. This variant is also known as p.Asp222Asn, p.Asp188Asn. ClinVar contains an entry for this variant (Variation ID: 53145). Advanced modeling of protein sequence and biophysical properties (such as structural, functional, and spatial information, amino acid conservation, physicochemical variation, residue mobility, and thermodynamic stability) performed at Invitae indicates that this missense variant is expected to disrupt KCNQ1 protein function with a positive predictive value of 95%. Experimental studies have shown that this missense change affects KCNQ1 function (PMID: 9302275, 25705178). For these reasons, this variant has been classified as Pathogenic.

Blueprint Genetics
Classification: Pathogenic for KCNQ1-related disorders. Last evaluated: 2023-11-30. Review status: criteria provided, single submitter. Criteria: ACMG Guidelines, 2015. Collection method: clinical testing. Allele origin: germline. Affected: yes. Observed: 4 variant alleles.

GeneDx
Classification: Pathogenic. Last evaluated: 2018-04-23. Review status: criteria provided, single submitter. Criteria: GeneDx Variant Classification (06012015). Collection method: clinical testing. Allele origin: germline. Affected: yes.
Comment: This missense change is denoted Asp317Asn (aka D317N) at the protein level and c.949 G>A at the cDNA level. The Asp317Asn mutation (also reported as Asp222Asn and Asp188Asn due to alternative nomenclature) in KCNQ1 has been reported previously in multiple individuals with LQTS, and has been shown to co-segregate with an LQTS phenotype in at least two large families (Wollnick B et al.,1997, Saarinen K et al., 1998, Chen S et al., 2003 ). Swan et al. (1999) reported the QT prolongation is exacerbated during exercise and recovery in individuals harboring the Asp317Asn mutation, consistent with the development of symptoms during exercise for several of the patients reported (Saarinen K et al., 1998, Chen S et al., 2003, Swan H et al., 1999). Considering all publications, the Asp317Asn mutation was absent from 550 control alleles (Wollnick B et al.,1997, Saarinen K et al., 1998, Swan H et al., 1999). The Asp317Asn mutation was not identified in 400 Caucasian and African American control chromosomes tested at GeneDx, and the NHLBI ESP Exome Variant Server reports Asp317Asn was not observed in approximately 5,000 samples from individuals of European and African American backgrounds, indicating it is not a common benign variant in these populations. The Asp317Asn mutation affects the pore region of the cardiac potassium voltage-gated channel, KQT-like type 1, an important functional region of the protein (Wollnick B et al.,1997). Furthermore, mutations at the same codon (Asp317Gly, Asp317Tyr) as well as in neighboring codons (Gly316Arg, Gly316Glu, Gly316Val, Lys318Asn) have also been reported in association with LQTS, further supporting the functional importance of this region of the protein. The variant is found in LQT panel(s).

Women's Health and Genetics/Laboratory Corporation of America, LabCorp
Classification: Pathogenic for Cardiovascular phenotype. Last evaluated: 2017-03-27. Review status: criteria provided, single submitter. Criteria: LabCorp Variant Classification Summary - May 2015. Collection method: clinical testing. Allele origin: germline.
Comment: Variant summary: The KCNQ1 c.949G>A (p.Asp317Asn) variant involves the alteration of a conserved nucleotide located in the Ion transport domain (InterPro), and in the H5 loop, which is an important part of the pore (Wollnik_1997). 4/5 in silico tools predict a damaging outcome for this variant. This variant is absent in 121152 control chromosomes. The variant has been reported in the literature to perfectly segregate with LQTS in at least two families (Wollnik_1997, Chen_2003), and was reported in a patient group which displayed the longest QT intervals as well as the most impaired heart rate responses to exercise compared to patient groups with other types of mutations in KCNQ1 (Swan_1999). Functional studies show the variant to abolish channel activity and reduce the activity of wild-type KvLQT1 by a dominant negative mechanism (Wollnik_1997). In addition, at-least one clinical diagnostic laboratory in ClinVar database has classified this variant as pathogenic. Taken together, this variant is classified as Pathogenic.

Cardiovascular Biomedical Research Unit, Royal Brompton & Harefield NHS Foundation Trust
No classification provided. Condition: Familial long QT syndrome. Review status: no classification provided. Collection method: literature only. Allele origin: germline. Not counted in ClinVar's aggregate classification.
Comment: This variant has been reported as associated with Long QT syndrome in the following publications (PMID:9302275;PMID:9482580;PMID:12702160). This is a literature report, and does not necessarily reflect the clinical interpretation of the Imperial College / Royal Brompton Cardiovascular Genetics laboratory.

Literature cited by the submitters: PubMed 9302275 (cited by 3 submitters); PubMed 9482580 (cited by Labcorp Genetics (formerly Invitae), Labcorp and Cardiovascular Biomedical Research Unit, Royal Brompton & Harefield NHS Foundation Trust); PubMed 10973849 (cited by Labcorp Genetics (formerly Invitae), Labcorp); PubMed 11410559 (cited by Labcorp Genetics (formerly Invitae), Labcorp); PubMed 12702160 (cited by 3 submitters); PubMed 23631430 (cited by Labcorp Genetics (formerly Invitae), Labcorp); PubMed 26063740 (cited by Labcorp Genetics (formerly Invitae), Labcorp); PubMed 25705178 (cited by Labcorp Genetics (formerly Invitae), Labcorp); PubMed 10483966 (cited by Women's Health and Genetics/Laboratory Corporation of America, LabCorp); PubMed 22581653 (cited by Cardiovascular Biomedical Research Unit, Royal Brompton & Harefield NHS Foundation Trust).